The following is an entry in ClinVar:

NM_001365951.3(KIF1B):c.2432T>C (p.Met811Thr)

Gene: KIF1B (kinesin family member 1B; plus strand). Cytogenetic location: 1p36.22.
Variant type: single nucleotide variant.
Coding change: c.2432T>C on transcript NM_001365951.3 (MANE Select); coding-DNA position 2432, T replaced by C.
Protein change: p.Met811Thr; replaces methionine 811 with threonine.
Molecular consequence: missense variant.
Genome position (GRCh38, 1-based): chr1:10,323,957, T>C. VCF-style: chr1-10323957-T-C. GRCh37 (hg19) VCF-style: chr1-10384015-T-C.
Other names: c.2432T>C, p.Met811Thr (NM_001365952.1); c.2294T>C, p.Met765Thr (NM_015074.3); short protein forms M765T, M811T.
Identifiers: ClinVar variation 1789153 (VCV001789153.2), dbSNP rs2521622593, ClinGen allele CA338334631.

ClinVar aggregate classification (germline): Uncertain significance (1 of 4 stars; one submission).

Allele frequency attached by ClinVar (database versions not stated): gnomAD exomes below 0.00001.
gnomAD v4.1: 2 of 1,614,114 alleles (0.00012%); highest among the groups gnomAD compares: East Asian, 0.0045%; no homozygotes.

Submission:

Ambry Genetics
Classification: Uncertain significance. Last evaluated: 2022-07-27. Review status: criteria provided, single submitter. Criteria: Ambry Variant Classification Scheme 2023. Collection method: clinical testing. Allele origin: germline.
Comment: The p.M765T variant (also known as c.2294T>C), located in coding exon 22 of the KIF1B gene, results from a T to C substitution at nucleotide position 2294. The methionine at codon 765 is replaced by threonine, an amino acid with similar properties. This amino acid position is conserved. In addition, this alteration is predicted to be tolerated by in silico analysis. Since supporting evidence is limited at this time, the clinical significance of this alteration remains unclear.